The following is an entry in ClinVar:

ClinVar aggregate classification (germline): Uncertain significance (1 of 4 stars; one submission).

Conditions:
Inborn genetic diseases. Identifiers: MedGen C0950123, MeSH D030342.

gnomAD v4.1: 6 of 1,610,798 alleles (0.00037%); highest among the groups gnomAD compares: African/African-American, 0.008%; no homozygotes.

Submission:

Ambry Genetics
Classification: Uncertain significance for Inborn genetic diseases. Last evaluated: 2025-04-19. Review status: criteria provided, single submitter. Criteria: Ambry Variant Classification Scheme 2023. Collection method: clinical testing. Allele origin: germline.
Comment: The p.E527Q variant (also known as c.1579G>C), located in coding exon 16 of the ANKRD26 gene, results from a G to C substitution at nucleotide position 1579. The glutamic acid at codon 527 is replaced by glutamine, an amino acid with highly similar properties. This amino acid position is conserved. In addition, this alteration is predicted to be tolerated by in silico analysis. Based on the available evidence, the clinical significance of this variant remains unclear.

NM_014915.3(ANKRD26):c.1579G>C (p.Glu527Gln)

Gene: ANKRD26 (ankyrin repeat domain containing 26; minus strand). Cytogenetic location: 10p12.1.
Variant type: single nucleotide variant.
Coding change: c.1579G>C on transcript NM_014915.3 (MANE Select); coding-DNA position 1579, G replaced by C.
Protein change: p.Glu527Gln; replaces glutamic acid 527 with glutamine.
Molecular consequence: missense variant.
Genome position (GRCh38, 1-based): chr10:27,053,376, C>G on the plus strand (G>C on the coding strand, the complement: ANKRD26 is on the minus strand). VCF-style: chr10-27053376-C-G. GRCh37 (hg19) VCF-style: chr10-27342305-C-G.
Other names: c.1579G>C, p.Glu527Gln (NM_001256053.2); short protein forms E527Q.
Identifiers: ClinVar variation 3913789 (VCV003913789.1).